The following is an entry in ClinVar:

ClinVar aggregate classification (germline): Uncertain significance. Review status: criteria provided, multiple submitters, no conflicts (2 of 4 stars). 2 submissions from 2 submitters: Uncertain significance (2). Last evaluated 2022-08-23.

Allele frequency attached by ClinVar (database versions not stated): gnomAD 0.00001; gnomAD exomes 0.00001.
gnomAD v4.1: 20 of 1,610,556 alleles (0.0012%); highest among the groups gnomAD compares: Non-Finnish European, 0.0017%; no homozygotes.

Submissions (2):

Labcorp Genetics (formerly Invitae), Labcorp
Classification: Uncertain significance. Last evaluated: 2022-08-23. Review status: criteria provided, single submitter. Criteria: Invitae Variant Classification Sherloc (09022015). Collection method: clinical testing. Allele origin: germline.
Comment: This sequence change replaces glutamic acid, which is acidic and polar, with lysine, which is basic and polar, at codon 926 of the COL18A1 protein (p.Glu926Lys). This variant is not present in population databases (gnomAD no frequency). This variant has not been reported in the literature in individuals affected with COL18A1-related conditions. ClinVar contains an entry for this variant (Variation ID: 452120). Experimental studies and prediction algorithms are not available or were not evaluated, and the functional significance of this variant is currently unknown. In summary, the available evidence is currently insufficient to determine the role of this variant in disease. Therefore, it has been classified as a Variant of Uncertain Significance.

GeneDx
Classification: Uncertain significance. Last evaluated: 2017-09-18. Review status: criteria provided, single submitter. Criteria: GeneDx Variant Classification (06012015). Collection method: clinical testing. Allele origin: germline. Affected: yes.
Comment: The E926K variant in the COL18A1 gene has not been reported previously as a pathogenic variant, nor as a benign variant, to our knowledge. The E926K variant is not observed in large population cohorts (Lek et al., 2016; 1000 Genomes Consortium et al., 2015; Exome Variant Server). The E926K variant is a non-conservative amino acid substitution, which is likely to impact secondary protein structure as these residues differ in polarity, charge, size and/or other properties. This substitution occurs at a position that is conserved in mammals. In silico analysis predicts this variant is probably damaging to the protein structure/function. We interpret E926K as a variant of uncertain significance.

NM_001379500.1(COL18A1):c.2776G>A (p.Glu926Lys)

Genes: COL18A1 (collagen type XVIII alpha 1 chain; plus strand), SLC19A1 (solute carrier family 19 member 1; minus strand). Cytogenetic location: 21q22.3.
Variant type: single nucleotide variant.
Coding change: c.2776G>A on transcript NM_001379500.1 (MANE Select); coding-DNA position 2776, G replaced by A.
Protein change: p.Glu926Lys; replaces glutamic acid 926 with lysine.
Molecular consequence: missense variant.
Genome position (GRCh38, 1-based): chr21:45,504,464, G>A. VCF-style: chr21-45504464-G-A. GRCh37 (hg19) VCF-style: chr21-46924378-G-A.
Other names: NM_130445.2:c.2776G>A; c.3316G>A, p.Glu1106Lys (NM_030582.4); c.4021G>A, p.Glu1341Lys (NM_130444.3); short protein forms E1106K, E1341K.
Identifiers: ClinVar variation 452120 (VCV000452120.8), dbSNP rs1555874491, ClinGen allele CA410499187.